The following is an entry in ClinVar:

NM_033026.6(PCLO):c.1670C>T (p.Pro557Leu)

Gene: PCLO (piccolo presynaptic cytomatrix protein; minus strand). Cytogenetic location: 7q21.11.
Variant type: single nucleotide variant.
Coding change: c.1670C>T on transcript NM_033026.6 (MANE Select); coding-DNA position 1670, C replaced by T.
Protein change: p.Pro557Leu; replaces proline 557 with leucine.
Molecular consequence: missense variant.
Genome position (GRCh38, 1-based): chr7:83,154,971, G>A on the plus strand (C>T on the coding strand, the complement: PCLO is on the minus strand). VCF-style: chr7-83154971-G-A. GRCh37 (hg19) VCF-style: chr7-82784287-G-A.
Other names: c.1670C>T, p.Pro557Leu (NM_014510.3); short protein forms P557L.
Identifiers: ClinVar variation 791290 (VCV000791290.14), dbSNP rs61740322, ClinGen allele CA4321395.

ClinVar aggregate classification (germline): Benign/Likely benign. Review status: criteria provided, multiple submitters, no conflicts (2 of 4 stars). 4 submissions from 4 submitters: Benign (3); Likely benign (1). Last evaluated 2026-02-03.

Conditions:
PCLO-related disorder. Also called: PCLO-related condition.

Allele frequency attached by ClinVar (database versions not stated): gnomAD exomes 0.00124; ExAC 0.00157; gnomAD 0.00505 and 0.00529; TOPMed 0.00526; ESP Exome Variant Server 0.00610; 1000 Genomes Project 30x 0.00656; 1000 Genomes Project 0.00659.
gnomAD v4.1: 1,406 of 1,614,032 alleles (0.087%); highest among the groups gnomAD compares: African/African-American, 1.7%; 17 homozygotes.

Submissions (4):

Labcorp Genetics (formerly Invitae), Labcorp
Classification: Benign. Last evaluated: 2026-02-03. Review status: criteria provided, single submitter. Criteria: Invitae Variant Classification Sherloc (09022015). Collection method: clinical testing. Allele origin: germline.

PreventionGenetics, part of Exact Sciences
Classification: Benign for PCLO-related condition. Last evaluated: 2025-02-13. Review status: criteria provided, single submitter. Criteria: ACMG Guidelines, 2015. Collection method: clinical testing. Allele origin: germline.
Comment: This variant is classified as benign based on ACMG/AMP sequence variant interpretation guidelines (Richards et al. 2015 PMID: 25741868, with internal and published modifications).

Blueprint Genetics
Classification: Likely benign. Last evaluated: 2024-11-13. Review status: criteria provided, single submitter. Criteria: ACMG Guidelines, 2015. Collection method: clinical testing. Allele origin: germline.

Breakthrough Genomics
Classification: Benign. Review status: criteria provided, single submitter. Criteria: ACMG Guidelines, 2015. Collection method: not provided. Allele origin: germline. Inheritance: Autosomal recessive inheritance. Affected: yes.